The following is an entry in ClinVar:

ClinVar aggregate classification (germline): Likely benign. Review status: criteria provided, multiple submitters, no conflicts (2 of 4 stars). 3 submissions from 3 submitters: Likely benign (3). Last evaluated 2025-03-13.

Conditions:
LIPA-related disorder. Also called: LIPA-related condition; LIPA-related disorders.
Cardiovascular phenotype. Identifiers: MedGen CN230736.
Wolman disease (WOLD). Also called: Infantile-Onset LAL-D (Wolman Disease); Wolman disease, CESD; Wolman disease with hypolipoproteinemia and acanthocytosis; Acid cholesteryl ester hydrolase deficiency, Wolman type; Acid lipase disease; LYSOSOMAL ACID LIPASE DEFICIENCY, ACUTE INFANTILE. Identifiers: Orphanet 75233, MedGen C0043208, MONDO:0019148, OMIM 620151.

Allele frequency attached by ClinVar (database versions not stated): gnomAD exomes below 0.00001; ExAC 0.00001; gnomAD 0.00004; TOPMed 0.00004; ESP Exome Variant Server 0.00008.
gnomAD v4.1: 9 of 1,607,890 alleles (0.00056%); highest among the groups gnomAD compares: African/African-American, 0.0094%; no homozygotes.

Submissions (3):

Labcorp Genetics (formerly Invitae), Labcorp
Classification: Likely benign for Wolman disease. Last evaluated: 2025-03-13. Review status: criteria provided, single submitter. Criteria: Invitae Variant Classification Sherloc (09022015). Collection method: clinical testing. Allele origin: germline.

PreventionGenetics, part of Exact Sciences
Classification: Likely benign for LIPA-related condition. Last evaluated: 2025-01-31. Review status: criteria provided, single submitter. Criteria: ACMG Guidelines, 2015. Collection method: clinical testing. Allele origin: germline.
Comment: This variant is classified as likely benign based on ACMG/AMP sequence variant interpretation guidelines (Richards et al. 2015 PMID: 25741868, with internal and published modifications).

Ambry Genetics
Classification: Likely benign for Cardiovascular phenotype. Last evaluated: 2020-06-17. Review status: criteria provided, single submitter. Criteria: Ambry Variant Classification Scheme 2023. Collection method: clinical testing. Allele origin: germline.

NM_000235.4(LIPA):c.93T>C (p.Pro31=)

Gene: LIPA (lipase A, lysosomal acid type; minus strand). Cytogenetic location: 10q23.31.
Variant type: single nucleotide variant.
Coding change: c.93T>C on transcript NM_000235.4 (MANE Select); coding-DNA position 93, T replaced by C.
Protein change: p.Pro31=; no amino-acid change (proline 31 retained).
Molecular consequence: synonymous variant. On other transcripts: intron variant (1).
Genome position (GRCh38, 1-based): chr10:89,247,556, A>G on the plus strand (T>C on the coding strand, the complement: LIPA is on the minus strand). VCF-style: chr10-89247556-A-G. GRCh37 (hg19) VCF-style: chr10-91007313-A-G.
Other names: c.93T>C, p.Pro31= (NM_001127605.3); c.-120+4181T>C (NM_001288979.2); c.93T>C (NM_000235.3).
Identifiers: ClinVar variation 1766853 (VCV001766853.8), dbSNP rs150957981, ClinGen allele CA5593828.